The following is an entry in ClinVar:

ClinVar aggregate classification (germline): Likely benign. Review status: criteria provided, multiple submitters, no conflicts (2 of 4 stars). 2 submissions from 2 submitters: Likely benign (2). Last evaluated 2026-08-01.

Allele frequency attached by ClinVar (database versions not stated): gnomAD exomes 0.00003; ExAC 0.00007; gnomAD 0.00013; TOPMed 0.00017.
gnomAD v4.1: 64 of 1,613,820 alleles (0.004%); highest among the groups gnomAD compares: Admixed American, 0.058%; no homozygotes.

Submissions (2):

CeGaT Center for Human Genetics Tuebingen
Classification: Likely benign. Last evaluated: 2026-08-01. Review status: criteria provided, single submitter. Criteria: CeGaT Center For Human Genetics Tuebingen Variant Classification Criteria Version 2. Collection method: clinical testing. Allele origin: germline. Affected: yes. Observed: 1 variant allele.
Comment: HERC1: BP4, BP7

Labcorp Genetics (formerly Invitae), Labcorp
Classification: Likely benign. Last evaluated: 2025-12-19. Review status: criteria provided, single submitter. Criteria: Invitae Variant Classification Sherloc (09022015). Collection method: clinical testing. Allele origin: germline.

NM_003922.4(HERC1):c.9069C>T (p.Gly3023=)

Gene: HERC1 (HECT and RLD domain containing E3 ubiquitin protein ligase family member 1; minus strand). Cytogenetic location: 15q22.31.
Variant type: single nucleotide variant.
Coding change: c.9069C>T on transcript NM_003922.4 (MANE Select); coding-DNA position 9069, C replaced by T.
Protein change: p.Gly3023=; no amino-acid change (glycine 3023 retained).
Molecular consequence: synonymous variant.
Genome position (GRCh38, 1-based): chr15:63,661,854, G>A on the plus strand (C>T on the coding strand, the complement: HERC1 is on the minus strand). VCF-style: chr15-63661854-G-A. GRCh37 (hg19) VCF-style: chr15-63954053-G-A.
Identifiers: ClinVar variation 2083731 (VCV002083731.5), dbSNP rs752632607, ClinGen allele CA7604808.